The following is an entry in ClinVar:

NM_198129.4(LAMA3):c.6778G>T (p.Glu2260Ter)

Gene: LAMA3 (laminin subunit alpha 3; plus strand). Cytogenetic location: 18q11.2.
Variant type: single nucleotide variant.
Coding change: c.6778G>T on transcript NM_198129.4 (MANE Select); coding-DNA position 6778, G replaced by T.
Protein change: p.Glu2260Ter; replaces glutamic acid 2260 with a stop codon.
Molecular consequence: nonsense.
Genome position (GRCh38, 1-based): chr18:23,907,609, G>T. VCF-style: chr18-23907609-G-T. GRCh37 (hg19) VCF-style: chr18-21487573-G-T.
Other names: c.1951G>T, p.Glu651Ter (NM_000227.6); c.6610G>T, p.Glu2204Ter (NM_001127717.4); c.1783G>T, p.Glu595Ter (NM_001127718.4); short protein forms E2260*, E595*, E651*, E2204*.
Identifiers: ClinVar variation 1412583 (VCV001412583.6), dbSNP rs2145180670, ClinGen allele CA402052763.

ClinVar aggregate classification (germline): Pathogenic (1 of 4 stars; one submission).

Allele frequency attached by ClinVar (database versions not stated): gnomAD exomes 0.00001.
gnomAD v4.1: 6 of 1,614,196 alleles (0.00037%); highest among the groups gnomAD compares: Non-Finnish European, 0.00042%; no homozygotes.

Submission:

Labcorp Genetics (formerly Invitae), Labcorp
Classification: Pathogenic. Last evaluated: 2021-01-10. Review status: criteria provided, single submitter. Criteria: Invitae Variant Classification Sherloc (09022015). Collection method: clinical testing. Allele origin: germline.
Comment: For these reasons, this variant has been classified as Pathogenic. This variant has not been reported in the literature in individuals with LAMA3-related conditions. This variant is not present in population databases (ExAC no frequency). This sequence change creates a premature translational stop signal (p.Glu651*) in the LAMA3 gene. It is expected to result in an absent or disrupted protein product. Loss-of-function variants in LAMA3 are known to be pathogenic (PMID: 10366601, 11810295, 12915477, 16473856, 17362460, 23869449, 28087116).

Literature cited by the submitters: PubMed 10366601; PubMed 11810295; PubMed 12915477; PubMed 16473856; PubMed 17362460; PubMed 23869449; PubMed 28087116.